The following is an entry in ClinVar:

ClinVar aggregate classification (germline): Likely pathogenic (1 of 4 stars; one submission).

Submission:

Labcorp Genetics (formerly Invitae), Labcorp
Classification: Likely pathogenic. Last evaluated: 2023-07-21. Review status: criteria provided, single submitter. Criteria: Invitae Variant Classification Sherloc (09022015). Collection method: clinical testing. Allele origin: germline.
Comment: This variant has not been reported in the literature in individuals affected with EXOC6B-related conditions. ClinVar contains an entry for this variant (Variation ID: 1378529). Algorithms developed to predict the effect of sequence changes on RNA splicing suggest that this variant may disrupt the consensus splice site. In summary, the currently available evidence indicates that the variant is pathogenic, but additional data are needed to prove that conclusively. Therefore, this variant has been classified as Likely Pathogenic. This variant is not present in population databases (gnomAD no frequency). This sequence change affects an acceptor splice site in intron 10 of the EXOC6B gene. It is expected to disrupt RNA splicing. Variants that disrupt the donor or acceptor splice site typically lead to a loss of protein function (PMID: 16199547), and loss-of-function variants in EXOC6B are known to be pathogenic (PMID: 26669664, 36150098).

Literature cited by the submitters: PubMed 16199547; PubMed 26669664; PubMed 36150098.

NM_015189.3(EXOC6B):c.1047-2A>C

Gene: EXOC6B (exocyst complex component 6B; minus strand). Cytogenetic location: 2p13.2.
Variant type: single nucleotide variant.
Coding change: c.1047-2A>C on transcript NM_015189.3 (MANE Select); the canonical splice acceptor site of the intron before coding-DNA position 1047, A replaced by C.
Molecular consequence: splice acceptor variant.
Genome position (GRCh38, 1-based): chr2:72,513,254, T>G on the plus strand (A>C on the coding strand, the complement: EXOC6B is on the minus strand). VCF-style: chr2-72513254-T-G. GRCh37 (hg19) VCF-style: chr2-72740383-T-G.
Other names: c.708-2A>C (NM_001321734.2); c.1047-2A>C (NM_001321733.2, NM_001321730.2, NM_001321729.2 and 1 more transcripts).
Identifiers: ClinVar variation 1378529 (VCV001378529.6), dbSNP rs2105672766, ClinGen allele CA347430951.